The following is an entry in ClinVar:

NM_004530.6(MMP2):c.1876G>A (p.Gly626Ser)

Gene: MMP2 (matrix metallopeptidase 2; plus strand). Cytogenetic location: 16q12.2.
Variant type: single nucleotide variant.
Coding change: c.1876G>A on transcript NM_004530.6 (MANE Select); coding-DNA position 1876, G replaced by A.
Protein change: p.Gly626Ser; replaces glycine 626 with serine.
Molecular consequence: missense variant.
Genome position (GRCh38, 1-based): chr16:55,502,885, G>A. VCF-style: chr16-55502885-G-A. GRCh37 (hg19) VCF-style: chr16-55536797-G-A.
Other names: c.1726G>A, p.Gly576Ser (NM_001127891.3); c.1648G>A, p.Gly550Ser (NM_001302508.1, NM_001302509.2, NM_001302510.2); short protein forms G576S, G626S, G550S.
Identifiers: ClinVar variation 1981244 (VCV001981244.4), dbSNP rs146725576, ClinGen allele CA8060603.

ClinVar aggregate classification (germline): Conflicting classifications of pathogenicity. Review status: criteria provided, conflicting classifications (1 of 4 stars). 2 submissions from 2 submitters: Uncertain significance (1); Likely benign (1). Last evaluated 2025-10-29.

Conditions:
Inborn genetic diseases. Identifiers: MedGen C0950123, MeSH D030342.

Allele frequency attached by ClinVar (database versions not stated): TOPMed 0.00004; ExAC 0.00005; gnomAD 0.00005; gnomAD exomes 0.00006; ESP Exome Variant Server 0.00008.
gnomAD v4.1: 98 of 1,612,848 alleles (0.0061%); highest among the groups gnomAD compares: Middle Eastern, 0.017%; no homozygotes.

Submissions (2):

Labcorp Genetics (formerly Invitae), Labcorp
Classification: Uncertain significance. Last evaluated: 2025-10-29. Review status: criteria provided, single submitter. Criteria: Invitae Variant Classification Sherloc (09022015). Collection method: clinical testing. Allele origin: germline.
Comment: This sequence change replaces glycine, which is neutral and non-polar, with serine, which is neutral and polar, at codon 626 of the MMP2 protein (p.Gly626Ser). This variant is present in population databases (rs146725576, gnomAD 0.009%). This variant has not been reported in the literature in individuals affected with MMP2-related conditions. ClinVar contains an entry for this variant (Variation ID: 1981244). Invitae Evidence Modeling of protein sequence and biophysical properties (such as structural, functional, and spatial information, amino acid conservation, physicochemical variation, residue mobility, and thermodynamic stability) indicates that this missense variant is not expected to disrupt MMP2 protein function with a negative predictive value of 80%. In summary, the available evidence is currently insufficient to determine the role of this variant in disease. Therefore, it has been classified as a Variant of Uncertain Significance.

Ambry Genetics
Classification: Likely benign for Inborn genetic diseases. Last evaluated: 2022-11-19. Review status: criteria provided, single submitter. Criteria: Ambry Variant Classification Scheme 2023. Collection method: clinical testing. Allele origin: germline.